The following is an entry in ClinVar:

NM_024642.5(GALNT12):c.200G>A (p.Arg67Gln)

Gene: GALNT12 (polypeptide N-acetylgalactosaminyltransferase 12; plus strand). Cytogenetic location: 9q22.33.
Variant type: single nucleotide variant.
Coding change: c.200G>A on transcript NM_024642.5 (MANE Select); coding-DNA position 200, G replaced by A.
Protein change: p.Arg67Gln; replaces arginine 67 with glutamine.
Molecular consequence: missense variant.
Genome position (GRCh38, 1-based): chr9:98,807,898, G>A. VCF-style: chr9-98807898-G-A. GRCh37 (hg19) VCF-style: chr9-101570180-G-A.
Other names: short protein forms R67Q.
Identifiers: ClinVar variation 3280594 (VCV003280594.1).
Genomic context (GRCh38, chr9:98,807,898, plus strand): 5'-CTGCCGAGCCGGGACCCCCGCGCACCCCGCGCCCCGGGCGGCGCGAGCCGGTCATGCCGC[G>A]GCCGCCGGTGCCGGCGAACGCGCTGGGCGCGCGGGGCGAGGCGGTGCGGCTGCAGCTGCA-3'
Protein context (NP_078918.3, residues 57-77): RPGRREPVMP[Arg67Gln]PPVPANALGA

ClinVar aggregate classification (germline): Uncertain significance (1 of 4 stars; one submission).

gnomAD v4.1: 2 of 1,165,600 alleles (0.00017%); highest among the groups gnomAD compares: Non-Finnish European, 0.00021%; no homozygotes.

Submission:

Ambry Genetics
Classification: Uncertain significance. Last evaluated: 2024-06-12. Review status: criteria provided, single submitter. Criteria: Ambry Variant Classification Scheme 2023. Collection method: clinical testing. Allele origin: germline.
Comment: The p.R67Q variant (also known as c.200G>A), located in coding exon 1 of the GALNT12 gene, results from a G to A substitution at nucleotide position 200. The arginine at codon 67 is replaced by glutamine, an amino acid with highly similar properties. This amino acid position is conserved. In addition, this alteration is predicted to be tolerated by in silico analysis. Based on the available evidence, the clinical significance of this variant remains unclear.